The following is an entry in ClinVar:

ClinVar aggregate classification (germline): Benign/Likely benign. Review status: criteria provided, multiple submitters, no conflicts (2 of 4 stars). 4 submissions from 4 submitters: Benign (1); Likely benign (3). Last evaluated 2025-01-08.

Conditions:
Hereditary nonpolyposis colorectal neoplasms. Identifiers: MedGen C0009405, MeSH D003123.
Lynch syndrome 5 (LYNCH5). Also called: Colorectal cancer, hereditary nonpolyposis, type 5; Hereditary non-polyposis colorectal cancer, type 5. Identifiers: Orphanet 144, MedGen C1833477, MONDO:0013710, OMIM 614350. Disease mechanism: loss of function.
Hereditary cancer-predisposing syndrome. Also called: Neoplastic Syndromes, Hereditary; Hereditary Cancer Syndrome; Tumor predisposition; Hereditary neoplastic syndrome. Identifiers: Orphanet 140162, MedGen C0027672, MeSH D009386, MONDO:0015356.

Allele frequency attached by ClinVar (database versions not stated): TOPMed below 0.00001; gnomAD 0.00001.
gnomAD v4.1: 2 of 1,610,582 alleles (0.00012%); highest among the groups gnomAD compares: Non-Finnish European, 0.00017%; no homozygotes.

Submissions (4):

Myriad Genetics, Inc.
Classification: Benign for Lynch syndrome 5. Last evaluated: 2025-01-08. Review status: criteria provided, single submitter. Criteria: Myriad Autosomal Dominant, Autosomal Recessive and X-Linked Classification Criteria (2023). Collection method: clinical testing. Allele origin: unknown.
Comment: This variant is considered benign. This variant is a silent/synonymous amino acid change and it is not expected to impact splicing.

GeneDx
Classification: Likely benign. Last evaluated: 2019-11-19. Review status: criteria provided, single submitter. Criteria: GeneDx Variant Classification Process June 2021. Collection method: clinical testing. Allele origin: germline. Affected: yes.

Ambry Genetics
Classification: Likely benign for Hereditary cancer-predisposing syndrome. Last evaluated: 2019-01-08. Review status: criteria provided, single submitter. Criteria: Ambry Variant Classification Scheme 2023. Collection method: clinical testing. Allele origin: germline.

Labcorp Genetics (formerly Invitae), Labcorp
Classification: Likely benign for Hereditary nonpolyposis colorectal neoplasms. Last evaluated: 2019-01-05. Review status: criteria provided, single submitter. Criteria: Invitae Variant Classification Sherloc (09022015). Collection method: clinical testing. Allele origin: germline.

NM_000179.3(MSH6):c.3987A>T (p.Ser1329=)

Gene: MSH6 (mutS homolog 6; plus strand). Cytogenetic location: 2p16.3.
Variant type: single nucleotide variant.
Coding change: c.3987A>T on transcript NM_000179.3 (MANE Select); coding-DNA position 3987, A replaced by T.
Protein change: p.Ser1329=; no amino-acid change (serine 1329 retained).
Molecular consequence: synonymous variant.
Genome position (GRCh38, 1-based): chr2:47,806,637, A>T. VCF-style: chr2-47806637-A-T. GRCh37 (hg19) VCF-style: chr2-48033776-A-T.
Other names: c.3597A>T, p.Ser1199= (NM_001281492.2); c.3081A>T, p.Ser1027= (NM_001281493.2, NM_001281494.2).
Identifiers: ClinVar variation 695451 (VCV000695451.19), dbSNP rs1306342101, ClinGen allele CA426122217.
Genomic context (GRCh38, chr2:47,806,637, plus strand): 5'-AGAGGAAGTTATTCAAAAGGGACATAGAAAAGCAAGAGAATTTGAGAAGATGAATCAGTC[A>T]CTACGATTATTTCGGTAACTAACTAACTATAATGGAATTATAACTAACTGACCTTAAGTT-3'
Protein context (NP_000170.1, residues 1319-1339): KAREFEKMNQ[Ser1329=]LRLFREVCLA